The following is an entry in ClinVar:

NM_015001.3(SPEN):c.10622C>G (p.Ser3541Cys)

Gene: SPEN (spen family transcriptional repressor; plus strand). Cytogenetic location: 1p36.13.
Variant type: single nucleotide variant.
Coding change: c.10622C>G on transcript NM_015001.3 (MANE Select); coding-DNA position 10622, C replaced by G.
Protein change: p.Ser3541Cys; replaces serine 3541 with cysteine.
Molecular consequence: missense variant.
Genome position (GRCh38, 1-based): chr1:15,937,924, C>G. VCF-style: chr1-15937924-C-G. GRCh37 (hg19) VCF-style: chr1-16264419-C-G.
Other names: short protein forms S3541C.
Identifiers: ClinVar variation 4848202 (VCV004848202.1).

ClinVar aggregate classification (germline): Uncertain significance (1 of 4 stars; one submission).

gnomAD v4.1: 3 of 1,614,204 alleles (0.00019%); highest among the groups gnomAD compares: Non-Finnish European, 0.00025%; no homozygotes.

Submission:

Women's Health and Genetics/Laboratory Corporation of America, LabCorp
Classification: Uncertain significance. Last evaluated: 2026-02-20. Review status: criteria provided, single submitter. Criteria: LabCorp Variant Classification Summary - May 2015. Collection method: clinical testing. Allele origin: germline.
Comment: Variant summary: SPEN c.10622C>G (p.Ser3541Cys) results in a non-conservative amino acid change in the encoded protein sequence. Algorithms developed to predict the effect of missense changes on protein structure and function are either unavailable or do not agree on the potential impact of this missense change. The variant allele was found at a frequency of 4e-06 in 251370 control chromosomes. The available data on variant occurrences in the general population are insufficient to allow any conclusion about variant significance. To our knowledge, no occurrence of c.10622C>G in individuals affected with SPEN-related conditions and no experimental evidence demonstrating its impact on protein function have been reported. No submitters have cited clinical-significance assessments for this variant to ClinVar. Based on the evidence outlined above, the variant was classified as uncertain significance.